The following is an entry in ClinVar:

ClinVar aggregate classification (germline): Uncertain significance (1 of 4 stars; one submission).

Submission:

Labcorp Genetics (formerly Invitae), Labcorp
Classification: Uncertain significance. Last evaluated: 2022-12-15. Review status: criteria provided, single submitter. Criteria: Invitae Variant Classification Sherloc (09022015). Collection method: clinical testing. Allele origin: germline.
Comment: This sequence change affects codon 289 of the HYOU1 mRNA. It is a 'silent' change, meaning that it does not change the encoded amino acid sequence of the HYOU1 protein. This variant is not present in population databases (gnomAD no frequency). This variant has not been reported in the literature in individuals affected with HYOU1-related conditions. In summary, the available evidence is currently insufficient to determine the role of this variant in disease. Therefore, it has been classified as a Variant of Uncertain Significance.

NM_006389.5(HYOU1):c.867G>A (p.Glu289=)

Gene: HYOU1 (hypoxia up-regulated 1; minus strand). Cytogenetic location: 11q23.3.
Variant type: single nucleotide variant.
Coding change: c.867G>A on transcript NM_006389.5 (MANE Select); coding-DNA position 867, G replaced by A.
Protein change: p.Glu289=; no amino-acid change (glutamic acid 289 retained).
Molecular consequence: synonymous variant.
Genome position (GRCh38, 1-based): chr11:119,052,757, C>T on the plus strand (G>A on the coding strand, the complement: HYOU1 is on the minus strand). VCF-style: chr11-119052757-C-T. GRCh37 (hg19) VCF-style: chr11-118923469-C-T.
Other names: c.867G>A, p.Glu289= (NM_001130991.3, NM_001411041.1).
Identifiers: ClinVar variation 2819042 (VCV002819042.3), dbSNP rs2497176734, ClinGen allele CA2739271768.